The following is an entry in ClinVar:

NM_138615.3(DHX30):c.433C>G (p.Arg145Gly)

Gene: DHX30 (DExH-box helicase 30; plus strand). Cytogenetic location: 3p21.31.
Variant type: single nucleotide variant.
Coding change: c.433C>G on transcript NM_138615.3 (MANE Select); coding-DNA position 433, C replaced by G.
Protein change: p.Arg145Gly; replaces arginine 145 with glycine.
Molecular consequence: missense variant.
Genome position (GRCh38, 1-based): chr3:47,840,943, C>G. VCF-style: chr3-47840943-C-G. GRCh37 (hg19) VCF-style: chr3-47882433-C-G.
Other names: c.349C>G, p.Arg117Gly (NM_001330990.2); c.316C>G, p.Arg106Gly (NM_014966.4); short protein forms R106G, R145G, R117G.
Identifiers: ClinVar variation 2597226 (VCV002597226.8), dbSNP rs139038406, ClinGen allele CA2369707.

ClinVar aggregate classification (germline): Likely benign. Review status: criteria provided, multiple submitters, no conflicts (2 of 4 stars). 2 submissions from 2 submitters: Likely benign (2). Last evaluated 2025-11-01.

Conditions:
Inborn genetic diseases. Identifiers: MedGen C0950123, MeSH D030342.

Allele frequency attached by ClinVar (database versions not stated): ExAC 0.00007; gnomAD 0.00007; TOPMed 0.00007; ESP Exome Variant Server 0.00023.
gnomAD v4.1: 220 of 1,614,098 alleles (0.014%); highest among the groups gnomAD compares: Non-Finnish European, 0.018%; no homozygotes.

Submissions (2):

CeGaT Center for Human Genetics Tuebingen
Classification: Likely benign. Last evaluated: 2025-11-01. Review status: criteria provided, single submitter. Criteria: CeGaT Center For Human Genetics Tuebingen Variant Classification Criteria Version 2. Collection method: clinical testing. Allele origin: germline. Affected: yes. Observed: 1 variant allele.
Comment: DHX30: BP4

Ambry Genetics
Classification: Likely benign for Inborn genetic diseases. Last evaluated: 2023-08-28. Review status: criteria provided, single submitter. Criteria: Ambry Variant Classification Scheme 2023. Collection method: clinical testing. Allele origin: germline.